The following is an entry in ClinVar:

ClinVar aggregate classification (germline): Uncertain significance (1 of 4 stars; one submission).

Allele frequency attached by ClinVar (database versions not stated): gnomAD exomes below 0.00001 and 0.00001; ExAC 0.00001; gnomAD 0.00001; TOPMed 0.00002; 1000 Genomes Project 30x 0.00016; 1000 Genomes Project 0.00020.
gnomAD v4.1: 4 of 1,611,810 alleles (0.00025%); highest among the groups gnomAD compares: African/African-American, 0.0053%; no homozygotes.

Submission:

Labcorp Genetics (formerly Invitae), Labcorp
Classification: Uncertain significance. Last evaluated: 2026-01-14. Review status: criteria provided, single submitter. Criteria: Invitae Variant Classification Sherloc (09022015). Collection method: clinical testing. Allele origin: germline.
Comment: This sequence change replaces cysteine, which is neutral and slightly polar, with tyrosine, which is neutral and polar, at codon 669 of the MYO18B protein (p.Cys669Tyr). This variant is present in population databases (rs559420010, gnomAD 0.01%). This variant has not been reported in the literature in individuals affected with MYO18B-related conditions. ClinVar contains an entry for this variant (Variation ID: 1441001). An algorithm developed to predict the effect of missense changes on protein structure and function (PolyPhen-2) suggests that this variant is likely to be disruptive. In summary, the available evidence is currently insufficient to determine the role of this variant in disease. Therefore, it has been classified as a Variant of Uncertain Significance.

NM_032608.7(MYO18B):c.2006G>A (p.Cys669Tyr)

Gene: MYO18B (myosin XVIIIB; plus strand). Cytogenetic location: 22q12.1.
Variant type: single nucleotide variant.
Coding change: c.2006G>A on transcript NM_032608.7 (MANE Select); coding-DNA position 2006, G replaced by A.
Protein change: p.Cys669Tyr; replaces cysteine 669 with tyrosine.
Molecular consequence: missense variant.
Genome position (GRCh38, 1-based): chr22:25,777,719, G>A. VCF-style: chr22-25777719-G-A. GRCh37 (hg19) VCF-style: chr22-26173686-G-A.
Other names: c.2006G>A, p.Cys669Tyr (NM_001318245.2); short protein forms C669Y.
Identifiers: ClinVar variation 1441001 (VCV001441001.6), dbSNP rs559420010, ClinGen allele CA10160026.